The following is an entry in ClinVar:

ClinVar aggregate classification (germline): Pathogenic. Review status: criteria provided, multiple submitters, no conflicts (2 of 4 stars). 5 submissions from 5 submitters: Pathogenic (4). 1 of the submissions does not count toward it. Last evaluated 2026-08-18.

Conditions:
Leber congenital amaurosis 15 (LCA15). Identifiers: Orphanet 65, MedGen C3151206, MONDO:0013457, OMIM 613843.
Retinitis pigmentosa 14 (RP14). Also called: RETINITIS PIGMENTOSA, JUVENILE, TULP1-RELATED. Identifiers: Orphanet 791, MedGen C1838603, MONDO:0010827, OMIM 600132.
Retinitis pigmentosa (RP). Identifiers: Orphanet 791, MedGen C0035334, MeSH D012174, MONDO:0019200, OMIM 268000. Inheritance: Autosomal dominant, autosomal recessive and X linked inheritance.
TULP1-related disorder. Also called: TULP1-related condition; TULP1-related disorders.

Allele frequency attached by ClinVar (database versions not stated): gnomAD exomes below 0.00001; gnomAD 0.00001; TOPMed 0.00001.
gnomAD v4.1: 3 of 1,582,762 alleles (0.00019%); highest among the groups gnomAD compares: African/African-American, 0.0013%; no homozygotes.

Submissions (5):

PreventionGenetics, part of Exact Sciences
Classification: Pathogenic for TULP1-related condition. Last evaluated: 2026-08-18. Review status: criteria provided, single submitter. Criteria: ACMG Guidelines, 2015. Collection method: clinical testing. Allele origin: germline.
Comment: The TULP1 c.238C>T variant is predicted to result in premature protein termination (p.Gln80*). This variant has been reported in a family with retinitis pigmentosa and segregates with disease (Marwan et al. 2023. PubMed ID: 37165311). This variant is reported in 0.012% of alleles in individuals of African descent in gnomAD and is consistently interpreted as pathogenic in ClinVar (Variation ID: 971453). Nonsense variants in TULP1 are expected to be pathogenic. This variant is interpreted as pathogenic.

Labcorp Genetics (formerly Invitae), Labcorp
Classification: Pathogenic. Last evaluated: 2025-09-07. Review status: criteria provided, single submitter. Criteria: Invitae Variant Classification Sherloc (09022015). Collection method: clinical testing. Allele origin: germline.
Comment: This sequence change creates a premature translational stop signal (p.Gln80*) in the TULP1 gene. It is expected to result in an absent or disrupted protein product. Loss-of-function variants in TULP1 are known to be pathogenic (PMID: 8606774, 10549638, 15024725, 18055821). This variant is present in population databases (no rsID available, gnomAD 0.01%). This variant has not been reported in the literature in individuals affected with TULP1-related conditions. ClinVar contains an entry for this variant (Variation ID: 971453). For these reasons, this variant has been classified as Pathogenic.

Fulgent Genetics
Classification: Pathogenic for Retinitis pigmentosa 14; Leber congenital amaurosis 15. Last evaluated: 2024-01-24. Review status: criteria provided, single submitter. Criteria: ACMG Guidelines, 2015. Collection method: clinical testing. Allele origin: germline.

Blueprint Genetics
Classification: Pathogenic for TULP1-related disorders. Last evaluated: 2022-11-08. Review status: criteria provided, single submitter. Criteria: ACMG Guidelines, 2015. Collection method: clinical testing. Allele origin: germline. Affected: yes. Observed: 5 variant alleles.

Department of Biotechnology and Genetic Engineering, Kohat University of Science and Technology
Classification: Pathogenic for Retinitis Pigmentosa. Last evaluated: 2022-08-22. Review status: no assertion criteria provided. Collection method: research. Allele origin: inherited. Inheritance: Autosomal recessive inheritance. Affected: yes. Observed: 9 variant alleles, 5 heterozygotes, 4 homozygotes. Not counted in ClinVar's aggregate classification.

Literature cited by the submitters: PubMed 8606774 (cited by Labcorp Genetics (formerly Invitae), Labcorp and Department of Biotechnology and Genetic Engineering, Kohat University of Science and Technology); PubMed 10549638 (cited by Labcorp Genetics (formerly Invitae), Labcorp and Department of Biotechnology and Genetic Engineering, Kohat University of Science and Technology); PubMed 15024725 (cited by Labcorp Genetics (formerly Invitae), Labcorp and Department of Biotechnology and Genetic Engineering, Kohat University of Science and Technology); PubMed 18055821 (cited by Labcorp Genetics (formerly Invitae), Labcorp and Department of Biotechnology and Genetic Engineering, Kohat University of Science and Technology).

NM_003322.6(TULP1):c.238C>T (p.Gln80Ter)

Gene: TULP1 (TUB like protein 1; minus strand). Cytogenetic location: 6p21.31.
Variant type: single nucleotide variant.
Coding change: c.238C>T on transcript NM_003322.6 (MANE Select); coding-DNA position 238, C replaced by T.
Protein change: p.Gln80Ter; replaces glutamine 80 with a stop codon.
Molecular consequence: nonsense. On other transcripts: intron variant (1).
Genome position (GRCh38, 1-based): chr6:35,511,759, G>A on the plus strand (C>T on the coding strand, the complement: TULP1 is on the minus strand). VCF-style: chr6-35511759-G-A. GRCh37 (hg19) VCF-style: chr6-35479536-G-A.
Other names: c.190+421C>T (NM_001289395.2); c.238C>T (NM_003322.5); short protein forms Q80*.
Identifiers: ClinVar variation 971453 (VCV000971453.26), dbSNP rs1309100490, ClinGen allele CA363784635.